The following is an entry in ClinVar:

NM_020831.6(MRTFA):c.1064T>A (p.Met355Lys)

Gene: MRTFA (myocardin related transcription factor A; minus strand). Cytogenetic location: 22q13.1.
Variant type: single nucleotide variant.
Coding change: c.1064T>A on transcript NM_020831.6 (MANE Select); coding-DNA position 1064, T replaced by A.
Protein change: p.Met355Lys; replaces methionine 355 with lysine.
Molecular consequence: missense variant.
Genome position (GRCh38, 1-based): chr22:40,420,964, A>T on the plus strand (T>A on the coding strand, the complement: MRTFA is on the minus strand). VCF-style: chr22-40420964-A-T. GRCh37 (hg19) VCF-style: chr22-40816968-A-T.
Other names: c.764T>A, p.Met255Lys (NM_001282660.2); c.914T>A, p.Met305Lys (NM_001282661.3); c.1064T>A, p.Met355Lys (NM_001282662.3); c.869T>A, p.Met290Lys (NM_001318139.2); short protein forms M290K, M255K, M305K, M355K.
Identifiers: ClinVar variation 3722145 (VCV003722145.2).

ClinVar aggregate classification (germline): Uncertain significance (1 of 4 stars; one submission).

Submission:

Labcorp Genetics (formerly Invitae), Labcorp
Classification: Uncertain significance. Last evaluated: 2024-10-03. Review status: criteria provided, single submitter. Criteria: Invitae Variant Classification Sherloc (09022015). Collection method: clinical testing. Allele origin: germline.
Comment: This sequence change replaces methionine, which is neutral and non-polar, with lysine, which is basic and polar, at codon 255 of the MKL1 protein (p.Met255Lys). This variant is not present in population databases (gnomAD no frequency). This variant has not been reported in the literature in individuals affected with MKL1-related conditions. An algorithm developed to predict the effect of missense changes on protein structure and function (PolyPhen-2) suggests that this variant is likely to be tolerated. In summary, the available evidence is currently insufficient to determine the role of this variant in disease. Therefore, it has been classified as a Variant of Uncertain Significance.